The following is an entry in ClinVar:

ClinVar aggregate classification (germline): Conflicting classifications of pathogenicity. Review status: criteria provided, conflicting classifications (1 of 4 stars). 2 submissions from 2 submitters: Uncertain significance (1); Likely benign (1). Last evaluated 2023-11-14.

Conditions:
Hereditary cancer-predisposing syndrome. Also called: Neoplastic Syndromes, Hereditary; Tumor predisposition; Hereditary Cancer Syndrome; Hereditary neoplastic syndrome. Identifiers: Orphanet 140162, MedGen C0027672, MeSH D009386, MONDO:0015356.
Fanconi anemia complementation group J. Also called: BRIP1-Related Fanconi Anemia. Identifiers: Orphanet 84, MedGen C1836860, MONDO:0012187, OMIM 609054.
Familial cancer of breast. Also called: BREAST CANCER, FAMILIAL; Hereditary breast cancer; hereditary breast carcinoma. Identifiers: Orphanet 227535, MedGen C0346153, MONDO:0016419, OMIM 114480. Disease mechanism: loss of function.

Submissions (2):

Labcorp Genetics (formerly Invitae), Labcorp
Classification: Uncertain significance for Familial cancer of breast; Fanconi anemia complementation group J. Last evaluated: 2023-11-14. Review status: criteria provided, single submitter. Criteria: Invitae Variant Classification Sherloc (09022015). Collection method: clinical testing. Allele origin: germline.
Comment: This sequence change replaces valine, which is neutral and non-polar, with glycine, which is neutral and non-polar, at codon 1179 of the BRIP1 protein (p.Val1179Gly). This variant is not present in population databases (gnomAD no frequency). This variant has not been reported in the literature in individuals affected with BRIP1-related conditions. ClinVar contains an entry for this variant (Variation ID: 1732405). Algorithms developed to predict the effect of missense changes on protein structure and function output the following: SIFT: "Not Available"; PolyPhen-2: "Benign"; Align-GVGD: "Not Available". The glycine amino acid residue is found in multiple mammalian species, which suggests that this missense change does not adversely affect protein function. In summary, the available evidence is currently insufficient to determine the role of this variant in disease. Therefore, it has been classified as a Variant of Uncertain Significance.

Ambry Genetics
Classification: Likely benign for Hereditary cancer-predisposing syndrome. Last evaluated: 2021-10-01. Review status: criteria provided, single submitter. Criteria: Ambry Variant Classification Scheme 2023. Collection method: clinical testing. Allele origin: germline.

NM_032043.3(BRIP1):c.3536T>G (p.Val1179Gly)

Gene: BRIP1 (BRCA1 interacting DNA helicase 1; minus strand). Cytogenetic location: 17q23.2.
Variant type: single nucleotide variant.
Coding change: c.3536T>G on transcript NM_032043.3 (MANE Select); coding-DNA position 3536, T replaced by G.
Protein change: p.Val1179Gly; replaces valine 1179 with glycine.
Molecular consequence: missense variant.
Genome position (GRCh38, 1-based): chr17:61,683,510, A>C on the plus strand (T>G on the coding strand, the complement: BRIP1 is on the minus strand). VCF-style: chr17-61683510-A-C. GRCh37 (hg19) VCF-style: chr17-59760871-A-C.
Other names: short protein forms V1179G.
Identifiers: ClinVar variation 1732405 (VCV001732405.7), dbSNP rs2144072645, ClinGen allele CA400478366.